The following is an entry in ClinVar:

ClinVar aggregate classification (germline): Uncertain significance (1 of 4 stars; one submission).

Submission:

GeneDx
Classification: Uncertain significance. Last evaluated: 2019-10-16. Review status: criteria provided, single submitter. Criteria: GeneDx Variant Classification Process June 2021. Collection method: clinical testing. Allele origin: germline. Affected: yes.
Comment: Not observed in large population cohorts (Lek et al., 2016); In silico analysis, which includes protein predictors and evolutionary conservation, supports a deleterious effect; Has not been previously published as pathogenic or benign to our knowledge

NM_007103.4(NDUFV1):c.545T>C (p.Ile182Thr)

Gene: NDUFV1 (NADH:ubiquinone oxidoreductase core subunit V1; plus strand). Cytogenetic location: 11q13.2.
Variant type: single nucleotide variant.
Coding change: c.545T>C on transcript NM_007103.4 (MANE Select); coding-DNA position 545, T replaced by C.
Protein change: p.Ile182Thr; replaces isoleucine 182 with threonine.
Molecular consequence: missense variant.
Genome position (GRCh38, 1-based): chr11:67,610,415, T>C. VCF-style: chr11-67610415-T-C. GRCh37 (hg19) VCF-style: chr11-67377886-T-C.
Other names: c.518T>C, p.Ile173Thr (NM_001166102.2); short protein forms I173T, I182T.
Identifiers: ClinVar variation 1215835 (VCV001215835.3), dbSNP rs2134084468, ClinGen allele CA381536582.